The following is an entry in ClinVar:

NM_000268.4(NF2):c.709G>C (p.Asp237His)

Gene: NF2 (NF2, moesin-ezrin-radixin like (MERLIN) tumor suppressor; plus strand). Cytogenetic location: 22q12.2.
Variant type: single nucleotide variant.
Coding change: c.709G>C on transcript NM_000268.4 (MANE Select); coding-DNA position 709, G replaced by C.
Protein change: p.Asp237His; replaces aspartic acid 237 with histidine.
Molecular consequence: missense variant. On other transcripts: non-coding transcript variant (1), intron variant (1).
Genome position (GRCh38, 1-based): chr22:29,661,238, G>C. VCF-style: chr22-29661238-G-C. GRCh37 (hg19) VCF-style: chr22-30057227-G-C.
Other names: c.709G>C, p.Asp237His (NM_016418.5, NM_181825.3, NM_181832.3); c.583G>C, p.Asp195His (NM_181828.3); c.586G>C, p.Asp196His (NM_181829.3); c.460G>C, p.Asp154His (NM_181830.3, NM_181831.3); c.447+18953G>C (NM_181833.3); short protein forms D154H, D195H, D196H, D237H.
Identifiers: ClinVar variation 999978 (VCV000999978.9), dbSNP rs2066467805, ClinGen allele CA411143782.

ClinVar aggregate classification (germline): Uncertain significance (1 of 4 stars; one submission).

Conditions:
Neurofibromatosis, type 2 (SWNV). Also called: BILATERAL ACOUSTIC NEUROFIBROMATOSIS; SCHWANNOMATOSIS, VESTIBULAR; NF2-Related Schwannomatosis. Identifiers: Orphanet 637, MedGen C0027832, MONDO:0007039, OMIM 101000. Disease mechanism: loss of function.

Submission:

Labcorp Genetics (formerly Invitae), Labcorp
Classification: Uncertain significance for Neurofibromatosis, type 2. Last evaluated: 2020-07-15. Review status: criteria provided, single submitter. Criteria: Invitae Variant Classification Sherloc (09022015). Collection method: clinical testing. Allele origin: germline.
Comment: This variant has not been reported in the literature in individuals with NF2-related conditions. This variant is not present in population databases (ExAC no frequency). This sequence change replaces aspartic acid with histidine at codon 237 of the NF2 protein (p.Asp237His). The aspartic acid residue is highly conserved and there is a moderate physicochemical difference between aspartic acid and histidine. Algorithms developed to predict the effect of missense changes on protein structure and function are either unavailable or do not agree on the potential impact of this missense change (SIFT: "Deleterious"; PolyPhen-2: "Probably Damaging"; Align-GVGD: "Class C0"). In summary, the available evidence is currently insufficient to determine the role of this variant in disease. Therefore, it has been classified as a Variant of Uncertain Significance.